The following is an entry in ClinVar:

NM_020911.2(PLXNA4):c.3043C>T (p.Leu1015=)

Gene: PLXNA4 (plexin A4; minus strand). Cytogenetic location: 7q32.3.
Variant type: single nucleotide variant.
Coding change: c.3043C>T on transcript NM_020911.2 (MANE Select); coding-DNA position 3043, C replaced by T.
Protein change: p.Leu1015=; no amino-acid change (leucine 1015 retained).
Molecular consequence: synonymous variant.
Genome position (GRCh38, 1-based): chr7:132,185,414, G>A on the plus strand (C>T on the coding strand, the complement: PLXNA4 is on the minus strand). VCF-style: chr7-132185414-G-A. GRCh37 (hg19) VCF-style: chr7-131870173-G-A.
Other names: c.3043C>T, p.Leu1015= (NM_001393897.1).
Identifiers: ClinVar variation 3350528 (VCV003350528.1).
Genomic context (GRCh38, chr7:132,185,414, plus strand): 5'-GAAAGACCAGGTCCTGGTGGATCTTGGCCCTGTCCACCTGCACCGACACCTTCATCTCTA[G>A]CACCTCATCTGAGGATGTGGTGTTGCAGACAATGTAGGATGGAGATCGCCTGGAGGGCAG-3'
Protein context (NP_065962.1, residues 1005-1025): VCNTTSSDEV[Leu1015=]EMKVSVQVDR

ClinVar aggregate classification (germline): Likely benign (0 of 4 stars; one submission).

Conditions:
PLXNA4-related disorder. Also called: PLXNA4-related condition.

gnomAD v4.1: 143 of 1,613,986 alleles (0.0089%); highest among the groups gnomAD compares: Non-Finnish European, 0.012%; no homozygotes.

Submission:

PreventionGenetics, part of Exact Sciences
Classification: Likely benign for PLXNA4-related condition. Last evaluated: 2023-05-17. Review status: no assertion criteria provided. Collection method: clinical testing. Allele origin: germline.
Comment: This variant is classified as likely benign based on ACMG/AMP sequence variant interpretation guidelines (Richards et al. 2015 PMID: 25741868, with internal and published modifications).